The following is an entry in ClinVar:

ClinVar aggregate classification (germline): Likely pathogenic (1 of 4 stars; one submission).

Conditions:
Early-infantile DEE. Also called: Ohtahara syndrome; Early infantile epileptic encephalopathy with suppression bursts; Early infantile epileptic encephalopathy. Identifiers: Orphanet 1934, MedGen C0393706, MONDO:0800491.

Submission:

Labcorp Genetics (formerly Invitae), Labcorp
Classification: Likely pathogenic for Early-infantile DEE. Last evaluated: 2021-06-21. Review status: criteria provided, single submitter. Criteria: Invitae Variant Classification Sherloc (09022015). Collection method: clinical testing. Allele origin: germline.
Comment: Advanced modeling of protein sequence and biophysical properties (such as structural, functional, and spatial information, amino acid conservation, physicochemical variation, residue mobility, and thermodynamic stability) performed at Invitae indicates that this missense variant is expected to disrupt HCN1 protein function. This variant has not been reported in the literature in individuals with HCN1-related conditions. This variant is not present in population databases (ExAC no frequency). This sequence change replaces alanine with proline at codon 387 of the HCN1 protein (p.Ala387Pro). The alanine residue is highly conserved and there is a small physicochemical difference between alanine and proline. This variant disrupts the p.Ala387 amino acid residue in HCN1. Other variant(s) that disrupt this residue have been determined to be pathogenic (PMID: 27541642). This suggests that this residue is clinically significant, and that variants that disrupt this residue are likely to be disease-causing In summary, the currently available evidence indicates that the variant is pathogenic, but additional data are needed to prove that conclusively. Therefore, this variant has been classified as Likely Pathogenic.

Literature cited by the submitters: PubMed 27541642.

NM_021072.4(HCN1):c.1159G>C (p.Ala387Pro)

Gene: HCN1 (hyperpolarization activated cyclic nucleotide gated potassium channel 1; minus strand). Cytogenetic location: 5p12.
Variant type: single nucleotide variant.
Coding change: c.1159G>C on transcript NM_021072.4 (MANE Select); coding-DNA position 1159, G replaced by C.
Protein change: p.Ala387Pro; replaces alanine 387 with proline.
Molecular consequence: missense variant.
Genome position (GRCh38, 1-based): chr5:45,396,563, C>G on the plus strand (G>C on the coding strand, the complement: HCN1 is on the minus strand). VCF-style: chr5-45396563-C-G. GRCh37 (hg19) VCF-style: chr5-45396665-C-G.
Other names: short protein forms A387P.
Identifiers: ClinVar variation 1480620 (VCV001480620.9), dbSNP rs2112040690, ClinGen allele CA359705295.